The following is an entry in ClinVar:

NM_032833.5(PPP1R15B):c.1378G>A (p.Asp460Asn)

Gene: PPP1R15B (protein phosphatase 1 regulatory subunit 15B; minus strand). Cytogenetic location: 1q32.1.
Variant type: single nucleotide variant.
Coding change: c.1378G>A on transcript NM_032833.5 (MANE Select); coding-DNA position 1378, G replaced by A.
Protein change: p.Asp460Asn; replaces aspartic acid 460 with asparagine.
Molecular consequence: missense variant.
Genome position (GRCh38, 1-based): chr1:204,410,034, C>T on the plus strand (G>A on the coding strand, the complement: PPP1R15B is on the minus strand). VCF-style: chr1-204410034-C-T. GRCh37 (hg19) VCF-style: chr1-204379162-C-T.
Other names: short protein forms D460N.
Identifiers: ClinVar variation 3376361 (VCV003376361.1).

ClinVar aggregate classification (germline): Uncertain significance (1 of 4 stars; one submission).

Conditions:
Microcephaly, short stature, and impaired glucose metabolism 2 (MSSGM2). Identifiers: Orphanet 391408, MedGen C4225195, MONDO:0014785, OMIM 616817.

Submission:

Pittsburgh Clinical Genomics Laboratory, University of Pittsburgh Medical Center
Classification: Uncertain significance for Microcephaly, short stature, and impaired glucose metabolism 2. Last evaluated: 2024-02-06. Review status: criteria provided, single submitter. Criteria: ACMG Guidelines, 2015. Collection method: clinical testing. Allele origin: germline. Inheritance: Autosomal recessive inheritance. Affected: yes.
Comment: This sequence variant is a single nucleotide substitution (G>A) at position 1378 of the coding sequence of the PPP1R15B gene that results in an aspartic acid to asparagine amino acid change at residue 460 of the protein phosphatase 1 regulatory subunit 15B protein. This novel variant is absent from ClinVar, the gnomAD population database (0/~152200 alleles), and published literature. Multiple bioinformatic tools predict that this aspartic acid to asparagine amino acid change would be damaging, and the Asp460 residue at this position is highly conserved across the vertebrate species examined. Studies examining the functional consequence of this variant have not been performed, to our knowledge. At this time, there is insufficient evidence to determine if this variant is pathogenic or benign. Therefore, we consider this a variant of uncertain significance. ACMG Criteria: PM2, PP3